The following is an entry in ClinVar:

NM_004369.4(COL6A3):c.2497+4_2497+9del

Gene: COL6A3 (collagen type VI alpha 3 chain; minus strand). Cytogenetic location: 2q37.3.
Variant type: Deletion.
Coding change: c.2497+4_2497+9del on transcript NM_004369.4 (MANE Select); bases 4 to 9 of the intron after coding-DNA position 2497, 6 bases deleted (AACCTC; older notation c.2497+4_2497+9delAACCTC).
Molecular consequence: intron variant.
Genome position (GRCh38, 1-based): chr2:237,378,627-237,378,632, GAGGTT deleted on the plus strand (AACCTC on the coding strand, the reverse complement: COL6A3 is on the minus strand). VCF-style (leftmost placement, unchanged base first): chr2-237378626-GGAGGTT-G. GRCh37 (hg19) VCF-style: chr2-238287269-GGAGGTT-G.
Other names: c.677-1288_677-1283del (NM_057166.5); c.1879+4_1879+9del (NM_057167.4, NM_057165.5); c.1276+4_1276+9del (NM_057164.5).
Identifiers: ClinVar variation 2830451 (VCV002830451.3), dbSNP rs2469918976, ClinGen allele CA2739277976.

ClinVar aggregate classification (germline): Uncertain significance (1 of 4 stars; one submission).

Conditions:
Bethlem myopathy 1A. Also called: Bethlem myopathy 1; MYOPATHY, BENIGN CONGENITAL, WITH CONTRACTURES; Bethlem Muscular Dystrophy. Identifiers: Orphanet 610, MedGen CN029274, MONDO:0024530, OMIM 158810.

Submission:

Labcorp Genetics (formerly Invitae), Labcorp
Classification: Uncertain significance for Bethlem myopathy 1A. Last evaluated: 2023-05-21. Review status: criteria provided, single submitter. Criteria: Invitae Variant Classification Sherloc (09022015). Collection method: clinical testing. Allele origin: germline.
Comment: Variants that disrupt the consensus splice site are a relatively common cause of aberrant splicing (PMID: 17576681, 9536098). Algorithms developed to predict the effect of sequence changes on RNA splicing suggest that this variant may disrupt the consensus splice site. This sequence change falls in intron 6 of the COL6A3 gene. It does not directly change the encoded amino acid sequence of the COL6A3 protein. It affects a nucleotide within the consensus splice site. This variant is not present in population databases (gnomAD no frequency). This variant has not been reported in the literature in individuals affected with COL6A3-related conditions. In summary, the available evidence is currently insufficient to determine the role of this variant in disease. Therefore, it has been classified as a Variant of Uncertain Significance.

Literature cited by the submitters: PubMed 17576681; PubMed 9536098.